The following is an entry in ClinVar:

NM_006766.5(KAT6A):c.3131T>G (p.Val1044Gly)

Gene: KAT6A (lysine acetyltransferase 6A; minus strand). Cytogenetic location: 8p11.21.
Variant type: single nucleotide variant.
Coding change: c.3131T>G on transcript NM_006766.5 (MANE Select); coding-DNA position 3131, T replaced by G.
Protein change: p.Val1044Gly; replaces valine 1044 with glycine.
Molecular consequence: missense variant.
Genome position (GRCh38, 1-based): chr8:41,937,477, A>C on the plus strand (T>G on the coding strand, the complement: KAT6A is on the minus strand). VCF-style: chr8-41937477-A-C. GRCh37 (hg19) VCF-style: chr8-41794995-A-C.
Other names: short protein forms V1044G.
Identifiers: ClinVar variation 1405965 (VCV001405965.6), dbSNP rs2150858888, ClinGen allele CA371070849.

ClinVar aggregate classification (germline): Uncertain significance (1 of 4 stars; one submission).

Submission:

Labcorp Genetics (formerly Invitae), Labcorp
Classification: Uncertain significance. Last evaluated: 2021-10-28. Review status: criteria provided, single submitter. Criteria: Invitae Variant Classification Sherloc (09022015). Collection method: clinical testing. Allele origin: germline.
Comment: In summary, the available evidence is currently insufficient to determine the role of this variant in disease. Therefore, it has been classified as a Variant of Uncertain Significance. This sequence change replaces valine, which is neutral and non-polar, with glycine, which is neutral and non-polar, at codon 1044 of the KAT6A protein (p.Val1044Gly). This variant is not present in population databases (gnomAD no frequency). This variant has not been reported in the literature in individuals affected with KAT6A-related conditions. Algorithms developed to predict the effect of missense changes on protein structure and function are either unavailable or do not agree on the potential impact of this missense change (SIFT: "Deleterious"; PolyPhen-2: "Possibly Damaging"; Align-GVGD: "Class C0").